The following is an entry in ClinVar:

NM_000059.4(BRCA2):c.3476del (p.Cys1159fs)

Gene: BRCA2 (BRCA2 DNA repair associated; plus strand). Cytogenetic location: 13q13.1.
Variant type: Deletion.
Coding change: c.3476del on transcript NM_000059.4 (MANE Select); coding-DNA position 3476, one base deleted (G; older notation c.3476delG).
Protein change: p.Cys1159fs; shifts the reading frame from cysteine 1159.
Molecular consequence: frameshift variant.
Genome position (GRCh38, 1-based): chr13:32,337,831, G deleted. VCF-style (leftmost placement, unchanged base first): chr13-32337830-TG-T. GRCh37 (hg19) VCF-style: chr13-32911967-TG-T.
Other names: c.3476delG, p.Cys1159Serfs (NM_001406719.1, NM_001406720.1); short protein forms C1159fs.
Identifiers: ClinVar variation 1731789 (VCV001731789.3), dbSNP rs2548526054, ClinGen allele CA2580087083.

ClinVar aggregate classification (germline): Pathogenic. Review status: criteria provided, multiple submitters, no conflicts (2 of 4 stars). 2 submissions from 2 submitters: Pathogenic (2). Last evaluated 2023-01-17.

Conditions:
Breast-ovarian cancer, familial, susceptibility to, 2 (BROVCA2). Also called: BRCA2 Hereditary Breast and Ovarian Cancer. Identifiers: Orphanet 145, MedGen C2675520, MONDO:0012933, OMIM 612555. Disease mechanism: loss of function.
Hereditary cancer-predisposing syndrome. Also called: Neoplastic Syndromes, Hereditary; Tumor predisposition; Hereditary Cancer Syndrome; Hereditary neoplastic syndrome. Identifiers: Orphanet 140162, MedGen C0027672, MeSH D009386, MONDO:0015356.

Submissions (2):

Myriad Genetics, Inc.
Classification: Pathogenic for Breast-ovarian cancer, familial, susceptibility to, 2. Last evaluated: 2023-01-17. Review status: criteria provided, single submitter. Criteria: Myriad Autosomal Dominant, Autosomal Recessive and X-Linked Classification Criteria (2023). Collection method: clinical testing. Allele origin: unknown.
Comment: This variant is considered pathogenic. This variant creates a frameshift predicted to result in premature protein truncation.

Ambry Genetics
Classification: Pathogenic for Hereditary cancer-predisposing syndrome. Last evaluated: 2020-10-30. Review status: criteria provided, single submitter. Criteria: Ambry Variant Classification Scheme 2023. Collection method: clinical testing. Allele origin: germline.
Comment: The c.3476delG pathogenic mutation, located in coding exon 10 of the BRCA2 gene, results from a deletion of one nucleotide at nucleotide position 3476, causing a translational frameshift with a predicted alternate stop codon (p.C1159Sfs*9). This alteration is expected to result in loss of function by premature protein truncation or nonsense-mediated mRNA decay. As such, this alteration is interpreted as a disease-causing mutation.